The following is an entry in ClinVar:

GRCh38/hg38 4p16.3(chr4:68454-4013853)x3

Genes: ADD1 (adducin 1; plus strand), ADRA2C (adrenoceptor alpha 2C; plus strand), ASPNAT (aspartate N-acetyltransferase; plus strand), ATP5ME (ATP synthase membrane subunit e; minus strand), CFAP99 (cilia and flagella associated protein 99; plus strand) and 285 more. Cytogenetic location: 4p16.3.
Variant type: copy number gain.
Change: copy number 3 (three copies instead of two) of chr4:68,454-4,013,853 (3.95 Mb, GRCh38 coordinates, 1-based), cytogenetic band 4p16.3.
Identifiers: ClinVar variation 4796121 (VCV004796121.1).

ClinVar aggregate classification (germline): Pathogenic (1 of 4 stars; one submission).

Submission:

Medical Genetic Center, Changzhi Maternal and Child Health Care Hospital
Classification: Pathogenic. Last evaluated: 2025-12-10. Review status: criteria provided, single submitter. Criteria: ACMG/ClinGen CNV Guidelines, 2019. Collection method: clinical testing. Allele origin: unknown.
Comment: 2A:4p16.3 terminal (Wolf-Hirschhorn syndrome) region